The following is an entry in ClinVar:

NM_153704.6(TMEM67):c.2042A>G (p.Gln681Arg)

Gene: TMEM67 (transmembrane protein 67; plus strand). Cytogenetic location: 8q22.1.
Variant type: single nucleotide variant.
Coding change: c.2042A>G on transcript NM_153704.6 (MANE Select); coding-DNA position 2042, A replaced by G.
Protein change: p.Gln681Arg; replaces glutamine 681 with arginine.
Molecular consequence: missense variant. On other transcripts: non-coding transcript variant (1).
Genome position (GRCh38, 1-based): chr8:93,797,412, A>G. VCF-style: chr8-93797412-A-G. GRCh37 (hg19) VCF-style: chr8-94809640-A-G.
Other names: c.1799A>G, p.Gln600Arg (NM_001142301.1); short protein forms Q600R, Q681R.
Identifiers: ClinVar variation 1952451 (VCV001952451.3), dbSNP rs948257582, ClinGen allele CA181340895.

ClinVar aggregate classification (germline): Uncertain significance (1 of 4 stars; one submission).

Conditions:
Joubert syndrome. Also called: CEREBELLOPARENCHYMAL DISORDER IV; JOUBERT-BOLTSHAUSER SYNDROME; Familial aplasia of the vermis. Identifiers: Orphanet 475, MedGen C5979921, MONDO:0018772.
Meckel-Gruber syndrome. Also called: DYSENCEPHALIA SPLANCHNOCYSTICA; GRUBER SYNDROME; Dysencephalia splachnocystica. Identifiers: Orphanet 564, MedGen C0265215, MONDO:0018921.

Allele frequency attached by ClinVar (database versions not stated): gnomAD exomes below 0.00001; gnomAD 0.00001.
gnomAD v4.1: 4 of 1,613,876 alleles (0.00025%); highest among the groups gnomAD compares: Admixed American, 0.0017%; no homozygotes.

Submission:

Labcorp Genetics (formerly Invitae), Labcorp
Classification: Uncertain significance for Joubert syndrome; Meckel-Gruber syndrome. Last evaluated: 2023-09-17. Review status: criteria provided, single submitter. Criteria: Invitae Variant Classification Sherloc (09022015). Collection method: clinical testing. Allele origin: germline.
Comment: This sequence change replaces glutamine, which is neutral and polar, with arginine, which is basic and polar, at codon 681 of the TMEM67 protein (p.Gln681Arg). This variant is not present in population databases (gnomAD no frequency). This variant has not been reported in the literature in individuals affected with TMEM67-related conditions. ClinVar contains an entry for this variant (Variation ID: 1952451). Advanced modeling of protein sequence and biophysical properties (such as structural, functional, and spatial information, amino acid conservation, physicochemical variation, residue mobility, and thermodynamic stability) performed at Invitae indicates that this missense variant is expected to disrupt TMEM67 protein function. Algorithms developed to predict the effect of sequence changes on RNA splicing suggest that this variant may create or strengthen a splice site. In summary, the available evidence is currently insufficient to determine the role of this variant in disease. Therefore, it has been classified as a Variant of Uncertain Significance.